The following is an entry in ClinVar:

ClinVar aggregate classification (germline): Likely benign. Review status: criteria provided, single submitter (1 of 4 stars). 2 submissions from 2 submitters: Likely benign (1). 1 of the submissions does not count toward it. Last evaluated 2024-12-19.

Conditions:
NPC1-related disorder. Also called: NPC1-related condition.
Niemann-Pick disease, type C1. Also called: NIEMANN-PICK DISEASE, VARIANT TYPE C1; NEUROVISCERAL STORAGE DISEASE WITH VERTICAL SUPRANUCLEAR OPHTHALMOPLEGIA; NIEMANN-PICK DISEASE WITH CHOLESTEROL ESTERIFICATION BLOCK; NIEMANN-PICK DISEASE WITHOUT SPHINGOMYELINASE DEFICIENCY; NIEMANN-PICK DISEASE, CHRONIC NEURONOPATHIC FORM. Identifiers: Orphanet 646, MedGen C3179455, MONDO:0009757, OMIM 257220.

Submissions (2):

Labcorp Genetics (formerly Invitae), Labcorp
Classification: Likely benign for Niemann-Pick disease, type C1. Last evaluated: 2024-12-19. Review status: criteria provided, single submitter. Criteria: Invitae Variant Classification Sherloc (09022015). Collection method: clinical testing. Allele origin: germline.

PreventionGenetics, part of Exact Sciences
Classification: Likely benign for NPC1-related condition. Last evaluated: 2022-04-01. Review status: no assertion criteria provided. Collection method: clinical testing. Allele origin: germline. Not counted in ClinVar's aggregate classification.
Comment: This variant is classified as likely benign based on ACMG/AMP sequence variant interpretation guidelines (Richards et al. 2015 PMID: 25741868, with internal and published modifications).

NM_000271.5(NPC1):c.1947+14_1947+15insT

Gene: NPC1 (NPC intracellular cholesterol transporter 1; minus strand). Cytogenetic location: 18q11.2.
Variant type: Insertion.
Coding change: c.1947+14_1947+15insT on transcript NM_000271.5 (MANE Select); bases 14 to 15 of the intron after coding-DNA position 1947, T inserted.
Molecular consequence: intron variant.
Genome position: GRCh38 VCF-style: chr18-23544945-C-CA. GRCh37 (hg19) VCF-style: chr18-21124909-C-CA.
Other names: c.1947+14_1947+15insT (NM_000271.4).
Identifiers: ClinVar variation 2188551 (VCV002188551.6), dbSNP rs201170241, ClinGen allele CA628978807.